The following is an entry in ClinVar:

NM_001453.3(FOXC1):c.246C>A (p.Ser82Arg)

Genes: FOXC1 (forkhead box C1; plus strand), LOC129995601 (ATAC-STARR-seq lymphoblastoid active region 23864; plus strand). Cytogenetic location: 6p25.3.
Variant type: single nucleotide variant.
Coding change: c.246C>A on transcript NM_001453.3 (MANE Select); coding-DNA position 246, C replaced by A.
Protein change: p.Ser82Arg; replaces serine 82 with arginine.
Molecular consequence: missense variant.
Genome position (GRCh38, 1-based): chr6:1,610,691, C>A. VCF-style: chr6-1610691-C-A. GRCh37 (hg19) VCF-style: chr6-1610926-C-A.
Other names: short protein forms S82R.
Identifiers: ClinVar variation 1251979 (VCV001251979.2), dbSNP rs376405759, ClinGen allele CA362558392.

ClinVar aggregate classification (germline): Pathogenic (0 of 4 stars; one submission).

Conditions:
Axenfeld-Rieger syndrome type 3 (RIEG3). Also called: AXENFELD-RIEGER ANOMALY WITH CARDIAC DEFECTS AND/OR SENSORINEURAL HEARING LOSS. Identifiers: Orphanet 782, MedGen C2678503, MONDO:0011233, OMIM 602482.

Submission:

Department of Ophthalmology, Southwest Medical University
Classification: Pathogenic for Axenfeld-Rieger syndrome type 3. Last evaluated: 2019-08-01. Review status: no assertion criteria provided. Collection method: research. Allele origin: de novo. Inheritance: Autosomal dominant inheritance. Affected: yes.
Comment: The variant in FOXC1 genes play important roles in the development of Axenfeld-Rieger syndrome (ARS, OMIM 602482). NC_000006.11:g.1610926C>A in FOXC1 with ARS has not been reported previously. This variant meets our criteria to be classified as pathogenic based upon segregation studies, absence from controls, and functional evidence. It causes both ocular and systemic phenotypes, including anterior segment dysplasia, glaucoma and cardiac abnormalities.